The following is an entry in ClinVar:

NM_001110556.2(FLNA):c.5261C>T (p.Ser1754Phe)

Gene: FLNA (filamin A; minus strand). Cytogenetic location: Xq28.
Variant type: single nucleotide variant.
Coding change: c.5261C>T on transcript NM_001110556.2 (MANE Select); coding-DNA position 5261, C replaced by T.
Protein change: p.Ser1754Phe; replaces serine 1754 with phenylalanine.
Molecular consequence: missense variant.
Genome position (GRCh38, 1-based): chrX:154,354,668, G>A on the plus strand (C>T on the coding strand, the complement: FLNA is on the minus strand). VCF-style: chrX-154354668-G-A. GRCh37 (hg19) VCF-style: chrX-153583036-G-A.
Other names: c.5237C>T, p.Ser1746Phe (NM_001456.4); short protein forms S1746F, S1754F.
Identifiers: ClinVar variation 519887 (VCV000519887.14), dbSNP rs1557176515, ClinGen allele CA415206586.

ClinVar aggregate classification (germline): Uncertain significance. Review status: criteria provided, multiple submitters, no conflicts (2 of 4 stars). 2 submissions from 2 submitters: Uncertain significance (2). Last evaluated 2022-03-19.

Conditions:
Melnick-Needles syndrome (MNS). Also called: MELNICK-NEEDLES OSTEODYSPLASTY; Melnick-Needles Syndrome (FLNA-MNS); OSTEODYSPLASTY OF MELNICK AND NEEDLES. Identifiers: Orphanet 2484, MedGen C0025237, MONDO:0010650, OMIM 309350.
Frontometaphyseal dysplasia (FMD1). Identifiers: Orphanet 1826, MedGen C0265293, MONDO:0015942.
Heterotopia, periventricular, X-linked dominant (PVNH1). Also called: PERIVENTRICULAR NODULAR HETEROTOPIA 4; HETEROTOPIA, PERIVENTRICULAR, 1; PERIVENTRICULAR NODULAR HETEROTOPIA 1; X-linked periventricular heterotopia. Identifiers: Orphanet 2149, Orphanet 82004, MedGen C1848213, MONDO:0010233, OMIM 300049.
Oto-palato-digital syndrome, type II (OPD2). Also called: Otopalatodigital Syndrome Type 2 (FLNA-OPD2); FACIOPALATOOSSEOUS SYNDROME; OPD II SYNDROME; Otopalatodigital Syndrome, Type II. Identifiers: Orphanet 669, Orphanet 90652, MedGen C1844696, MONDO:0010571, OMIM 304120.
Familial thoracic aortic aneurysm and aortic dissection (TAAD). Also called: Thoracic aortic aneurysms and dissections. Identifiers: Orphanet 91387, MedGen C4707243, MONDO:0019625.

Submissions (2):

Labcorp Genetics (formerly Invitae), Labcorp
Classification: Uncertain significance for Oto-palato-digital syndrome, type II; Heterotopia, periventricular, X-linked dominant; Frontometaphyseal dysplasia; Melnick-Needles syndrome. Last evaluated: 2022-03-19. Review status: criteria provided, single submitter. Criteria: Invitae Variant Classification Sherloc (09022015). Collection method: clinical testing. Allele origin: germline.
Comment: This variant is not present in population databases (gnomAD no frequency). In summary, the available evidence is currently insufficient to determine the role of this variant in disease. Therefore, it has been classified as a Variant of Uncertain Significance. Advanced modeling of protein sequence and biophysical properties (such as structural, functional, and spatial information, amino acid conservation, physicochemical variation, residue mobility, and thermodynamic stability) performed at Invitae indicates that this missense variant is not expected to disrupt FLNA protein function. ClinVar contains an entry for this variant (Variation ID: 519887). This variant has not been reported in the literature in individuals affected with FLNA-related conditions. This sequence change replaces serine, which is neutral and polar, with phenylalanine, which is neutral and non-polar, at codon 1746 of the FLNA protein (p.Ser1746Phe).

Ambry Genetics
Classification: Uncertain significance for Familial thoracic aortic aneurysm and aortic dissection. Last evaluated: 2016-11-14. Review status: criteria provided, single submitter. Criteria: Ambry Variant Classification Scheme 2023. Collection method: clinical testing. Allele origin: germline.
Comment: The p.S1746F variant (also known as c.5237C>T), located in coding exon 30 of the FLNA gene, results from a C to T substitution at nucleotide position 5237. The serine at codon 1746 is replaced by phenylalanine, an amino acid with highly dissimilar properties. This variant was not reported in population based cohorts in the following databases: ExAC, Database of Single Nucleotide Polymorphisms (dbSNP), NHLBI Exome Sequencing Project (ESP), and 1000 Genomes Project. In the ESP, this variant was not observed in 6062 samples with coverage at this position. This amino acid position is poorly conserved in available vertebrate species, and phenylalanine is the reference amino acid in other vertebrate species. In addition, this alteration is predicted to be tolerated by in silico analysis. Since supporting evidence is limited at this time, the clinical significance of this alteration remains unclear.